The following is an entry in ClinVar:

ClinVar aggregate classification (germline): Uncertain significance (1 of 4 stars; one submission).

Allele frequency attached by ClinVar (database versions not stated): gnomAD exomes below 0.00001.
gnomAD v4.1: 2 of 1,612,386 alleles (0.00012%); highest among the groups gnomAD compares: Non-Finnish European, 0.00017%; no homozygotes.

Submission:

Labcorp Genetics (formerly Invitae), Labcorp
Classification: Uncertain significance. Last evaluated: 2023-12-27. Review status: criteria provided, single submitter. Criteria: Invitae Variant Classification Sherloc (09022015). Collection method: clinical testing. Allele origin: germline.
Comment: This sequence change falls in intron 12 of the ASXL1 gene. It does not directly change the encoded amino acid sequence of the ASXL1 protein. It affects a nucleotide within the consensus splice site. This variant is not present in population databases (gnomAD no frequency). This variant has not been reported in the literature in individuals affected with ASXL1-related conditions. Variants that disrupt the consensus splice site are a relatively common cause of aberrant splicing (PMID: 17576681, 9536098). Algorithms developed to predict the effect of sequence changes on RNA splicing suggest that this variant may disrupt the consensus splice site. In summary, the available evidence is currently insufficient to determine the role of this variant in disease. Therefore, it has been classified as a Variant of Uncertain Significance.

Literature cited by the submitters: PubMed 17576681; PubMed 9536098.

NM_015338.6(ASXL1):c.1719+3A>G

Gene: ASXL1 (ASXL transcriptional regulator 1; plus strand). Cytogenetic location: 20q11.21.
Variant type: single nucleotide variant.
Coding change: c.1719+3A>G on transcript NM_015338.6 (MANE Select); 3 bases into the intron after coding-DNA position 1719, A replaced by G.
Molecular consequence: intron variant.
Genome position (GRCh38, 1-based): chr20:32,433,920, A>G. VCF-style: chr20-32433920-A-G. GRCh37 (hg19) VCF-style: chr20-31021723-A-G.
Other names: c.1536+3A>G (NM_001363734.1).
Identifiers: ClinVar variation 2786365 (VCV002786365.3), dbSNP rs2515545213, ClinGen allele CA2577366270.